The following is an entry in ClinVar:

ClinVar aggregate classification (germline): Uncertain significance (1 of 4 stars; one submission).

Submission:

GeneDx
Classification: Uncertain significance. Last evaluated: 2024-05-24. Review status: criteria provided, single submitter. Criteria: GeneDx Variant Classification Process June 2021. Collection method: clinical testing. Allele origin: germline. Affected: yes.
Comment: Not observed at significant frequency in large population cohorts (gnomAD); In silico analysis supports that this missense variant has a deleterious effect on protein structure/function; Has not been previously published as pathogenic or benign to our knowledge; This variant is associated with the following publications: (PMID: 24844136)

NM_000435.3(NOTCH3):c.2522A>G (p.Tyr841Cys)

Gene: NOTCH3 (notch receptor 3; minus strand). Cytogenetic location: 19p13.12.
Variant type: single nucleotide variant.
Coding change: c.2522A>G on transcript NM_000435.3 (MANE Select); coding-DNA position 2522, A replaced by G.
Protein change: p.Tyr841Cys; replaces tyrosine 841 with cysteine.
Molecular consequence: missense variant.
Genome position (GRCh38, 1-based): chr19:15,184,339, T>C on the plus strand (A>G on the coding strand, the complement: NOTCH3 is on the minus strand). VCF-style: chr19-15184339-T-C. GRCh37 (hg19) VCF-style: chr19-15295150-T-C.
Other names: short protein forms Y841C.
Identifiers: ClinVar variation 3381348 (VCV003381348.1).